The following is an entry in ClinVar:

NM_001276270.2(MBD4):c.702G>A (p.Lys234=)

Gene: MBD4 (methyl-CpG binding domain 4, DNA glycosylase; minus strand). Cytogenetic location: 3q21.3.
Variant type: single nucleotide variant.
Coding change: c.702G>A on transcript NM_001276270.2 (MANE Select); coding-DNA position 702, G replaced by A.
Protein change: p.Lys234=; no amino-acid change (lysine 234 retained).
Molecular consequence: synonymous variant. On other transcripts: intron variant (1).
Genome position (GRCh38, 1-based): chr3:129,436,942, C>T on the plus strand (G>A on the coding strand, the complement: MBD4 is on the minus strand). VCF-style: chr3-129436942-C-T. GRCh37 (hg19) VCF-style: chr3-129155785-C-T.
Other names: c.702G>A, p.Lys234= (NM_001276271.2, NM_001276272.2, NM_003925.3); c.247+866G>A (NM_001276273.2).
Identifiers: ClinVar variation 4104650 (VCV004104650.3).

ClinVar aggregate classification (germline): Likely benign. Review status: criteria provided, multiple submitters, no conflicts (2 of 4 stars). 2 submissions from 2 submitters: Likely benign (2). Last evaluated 2026-05-01.

Conditions:
Inborn genetic diseases. Identifiers: MedGen C0950123, MeSH D030342.

Submissions (2):

CeGaT Center for Human Genetics Tuebingen
Classification: Likely benign. Last evaluated: 2026-05-01. Review status: criteria provided, single submitter. Criteria: CeGaT Center For Human Genetics Tuebingen Variant Classification Criteria Version 2. Collection method: clinical testing. Allele origin: germline. Affected: yes. Observed: 1 variant allele.
Comment: MBD4: BP4, BP7

Ambry Genetics
Classification: Likely benign for Inborn genetic diseases. Last evaluated: 2025-08-20. Review status: criteria provided, single submitter. Criteria: Ambry Variant Classification Scheme 2023. Collection method: clinical testing. Allele origin: germline.